The following is an entry in ClinVar:

ClinVar aggregate classification (germline): Uncertain significance (1 of 4 stars; one submission).

Submission:

Dasa
Classification: Uncertain significance. Last evaluated: 2025-09-20. Review status: criteria provided, single submitter. Criteria: DASA Assertion Criteria. Collection method: clinical testing. Allele origin: germline.
Comment: NM_181332.3(NLGN4X):c.1133A>C (p.Lys378Thr) is a missense variant that results in the substitution of lysine with threonine. This variant is absent from population databases. The currently available literature and clinical evidence are not sufficient to establish a definitive association between this variant and the reported condition. Therefore, this variant is classified as a variant of uncertain significance.

NM_181332.3(NLGN4X):c.1133A>C (p.Lys378Thr)

Gene: NLGN4X (neuroligin 4 X-linked; minus strand). Cytogenetic location: Xp22.32.
Variant type: single nucleotide variant.
Coding change: c.1133A>C on transcript NM_181332.3 (MANE Select); coding-DNA position 1133, A replaced by C.
Protein change: p.Lys378Thr; replaces lysine 378 with threonine.
Molecular consequence: missense variant.
Genome position (GRCh38, 1-based): chrX:5,903,545, T>G on the plus strand (A>C on the coding strand, the complement: NLGN4X is on the minus strand). VCF-style: chrX-5903545-T-G. GRCh37 (hg19) VCF-style: chrX-5821586-T-G.
Other names: c.1133A>C, p.Lys378Thr (NM_001282145.2, NM_001282146.2, NM_001441322.1 and 4 more transcripts); short protein forms K378T.
Identifiers: ClinVar variation 5020856 (VCV005020856.1).